The following is an entry in ClinVar:

ClinVar aggregate classification (germline): Uncertain significance (1 of 4 stars; one submission).

Allele frequency attached by ClinVar (database versions not stated): gnomAD exomes below 0.00001.

Submission:

Labcorp Genetics (formerly Invitae), Labcorp
Classification: Uncertain significance. Last evaluated: 2022-06-18. Review status: criteria provided, single submitter. Criteria: Invitae Variant Classification Sherloc (09022015). Collection method: clinical testing. Allele origin: germline.
Comment: This variant is not present in population databases (gnomAD no frequency). This sequence change replaces threonine, which is neutral and polar, with isoleucine, which is neutral and non-polar, at codon 488 of the FLAD1 protein (p.Thr488Ile). In summary, the available evidence is currently insufficient to determine the role of this variant in disease. Therefore, it has been classified as a Variant of Uncertain Significance. Algorithms developed to predict the effect of missense changes on protein structure and function are either unavailable or do not agree on the potential impact of this missense change (SIFT: "Tolerated"; PolyPhen-2: "Probably Damaging"; Align-GVGD: "Class C0"). This variant has not been reported in the literature in individuals affected with FLAD1-related conditions.

NM_025207.5(FLAD1):c.1463C>T (p.Thr488Ile)

Gene: FLAD1 (flavin adenine dinucleotide synthetase 1; plus strand). Cytogenetic location: 1q21.3.
Variant type: single nucleotide variant.
Coding change: c.1463C>T on transcript NM_025207.5 (MANE Select); coding-DNA position 1463, C replaced by T.
Protein change: p.Thr488Ile; replaces threonine 488 with isoleucine.
Molecular consequence: missense variant.
Genome position (GRCh38, 1-based): chr1:154,990,437, C>T. VCF-style: chr1-154990437-C-T. GRCh37 (hg19) VCF-style: chr1-154962913-C-T.
Other names: c.1172C>T, p.Thr391Ile (NM_001184891.2, NM_201398.3); short protein forms T488I, T391I.
Identifiers: ClinVar variation 2022703 (VCV002022703.3), dbSNP rs2525794194, ClinGen allele CA342752662.